The following is an entry in ClinVar:

NM_007294.4(BRCA1):c.5193+25A>T

Gene: BRCA1 (BRCA1 DNA repair associated; minus strand). Cytogenetic location: 17q21.31.
Variant type: single nucleotide variant.
Coding change: c.5193+25A>T on transcript NM_007294.4 (MANE Select); 25 bases into the intron after coding-DNA position 5193, A replaced by T.
Molecular consequence: intron variant.
Genome position (GRCh38, 1-based): chr17:43,063,308, T>A on the plus strand (A>T on the coding strand, the complement: BRCA1 is on the minus strand). VCF-style: chr17-43063308-T-A. GRCh37 (hg19) VCF-style: chr17-41215325-T-A.
Other names: c.1740+25A>T (NM_001408458.1, NM_001408461.1, NM_001408464.1 and 7 more transcripts); c.4302+25A>T (NM_001407967.1); c.4812+25A>T (NM_001407959.1); c.4926+25A>T (NM_001407931.1, NM_001407932.1, NM_001407928.1 and 4 more transcripts); c.5049+25A>T (NM_001407747.1, NM_001407745.1, NM_001407737.1 and 21 more transcripts); c.4809+25A>T (NM_001407962.1, NM_001407960.1); c.1380+25A>T (NM_001408512.1); c.1503+25A>T (NM_001408510.1); and 72 more.
Identifiers: ClinVar variation 868156 (VCV000868156.3), dbSNP rs2051848302, ClinGen allele CA916079983.

Conditions:
Breast-ovarian cancer, familial, susceptibility to, 1 (BROVCA1). Also called: BRCA1 Hereditary Breast and Ovarian Cancer; OVARIAN CANCER, SUSCEPTIBILITY TO. Identifiers: Orphanet 145, MedGen C2676676, MONDO:0011450, OMIM 604370. Disease mechanism: loss of function.

Submission:

Brotman Baty Institute, University of Washington
No classification provided (evidence only). Condition: Breast-ovarian cancer, familial 1. Review status: no classification provided. Collection method: in vitro. Allele origin: not applicable. Functional consequence: functionally_normal.
ClinVar note: "not provided" was previously submitted as the classification for the variant. However, the classification appeared to be based only on an observation of functional data so it was converted to no classification on 2025-07-30.